The following is an entry in ClinVar:

NM_016256.4(NAGPA):c.1146C>T (p.Ala382=)

Gene: NAGPA (N-acetylglucosamine-1-phosphodiester alpha-N-acetylglucosaminidase; minus strand). Cytogenetic location: 16p13.3.
Variant type: single nucleotide variant.
Coding change: c.1146C>T on transcript NM_016256.4 (MANE Select); coding-DNA position 1146, C replaced by T.
Protein change: p.Ala382=; no amino-acid change (alanine 382 retained).
Molecular consequence: synonymous variant.
Genome position (GRCh38, 1-based): chr16:5,027,874, G>A on the plus strand (C>T on the coding strand, the complement: NAGPA is on the minus strand). VCF-style: chr16-5027874-G-A. GRCh37 (hg19) VCF-style: chr16-5077875-G-A.
Identifiers: ClinVar variation 2646174 (VCV002646174.24), dbSNP rs367546638, ClinGen allele CA7888520.

ClinVar aggregate classification (germline): Likely benign (1 of 4 stars; one submission).

Allele frequency attached by ClinVar (database versions not stated): ESP Exome Variant Server 0.00039.
gnomAD v4.1: 1,595 of 1,581,692 alleles (0.1%); highest among the groups gnomAD compares: Non-Finnish European, 0.13%; 3 homozygotes.

Submission:

CeGaT Center for Human Genetics Tuebingen
Classification: Likely benign. Last evaluated: 2022-12-01. Review status: criteria provided, single submitter. Criteria: CeGaT Center For Human Genetics Tuebingen Variant Classification Criteria Version 2. Collection method: clinical testing. Allele origin: germline. Affected: yes. Observed: 1 variant allele.
Comment: NAGPA: BP4, BP7